The following is an entry in ClinVar:

NM_177438.3(DICER1):c.3854A>G (p.Tyr1285Cys)

Gene: DICER1 (dicer 1, ribonuclease III; minus strand). Cytogenetic location: 14q32.13.
Variant type: single nucleotide variant.
Coding change: c.3854A>G on transcript NM_177438.3 (MANE Select); coding-DNA position 3854, A replaced by G.
Protein change: p.Tyr1285Cys; replaces tyrosine 1285 with cysteine.
Molecular consequence: missense variant. On other transcripts: non-coding transcript variant (6).
Genome position (GRCh38, 1-based): chr14:95,103,542, T>C on the plus strand (A>G on the coding strand, the complement: DICER1 is on the minus strand). VCF-style: chr14-95103542-T-C. GRCh37 (hg19) VCF-style: chr14-95569879-T-C.
Other names: c.3854A>G, p.Tyr1285Cys (NM_001195573.1, NM_001271282.3, NM_001291628.2 and 13 more transcripts); c.3572A>G, p.Tyr1191Cys (NM_001395686.1); c.3449A>G, p.Tyr1150Cys (NM_001395687.1, NM_001395688.1, NM_001395689.1 and 2 more transcripts); c.3287A>G, p.Tyr1096Cys (NM_001395691.1); c.2171A>G, p.Tyr724Cys (NM_001395697.1); short protein forms Y1096C, Y1150C, Y1191C, Y1285C, Y724C.
Identifiers: ClinVar variation 2451714 (VCV002451714.2), dbSNP rs2542692678, ClinGen allele CA390873305.

ClinVar aggregate classification (germline): Uncertain significance (1 of 4 stars; one submission).

Conditions:
Hereditary cancer-predisposing syndrome. Also called: Neoplastic Syndromes, Hereditary; Tumor predisposition; Hereditary neoplastic syndrome; Hereditary Cancer Syndrome. Identifiers: Orphanet 140162, MedGen C0027672, MeSH D009386, MONDO:0015356.

Submission:

Ambry Genetics
Classification: Uncertain significance for Hereditary cancer-predisposing syndrome. Last evaluated: 2023-01-18. Review status: criteria provided, single submitter. Criteria: Ambry Variant Classification Scheme 2023. Collection method: clinical testing. Allele origin: germline.
Comment: The p.Y1285C variant (also known as c.3854A>G), located in coding exon 20 of the DICER1 gene, results from an A to G substitution at nucleotide position 3854. The tyrosine at codon 1285 is replaced by cysteine, an amino acid with highly dissimilar properties. This amino acid position is conserved. In addition, the in silico prediction for this alteration is inconclusive. Since supporting evidence is limited at this time, the clinical significance of this alteration remains unclear.